The following is an entry in ClinVar:

ClinVar aggregate classification (germline): Uncertain significance (1 of 4 stars; one submission).

Conditions:
Cardiomyopathy (CMYO). Also called: Cardiomyopathies. Identifiers: Orphanet 167848, MedGen C0878544, MONDO:0004994, HP:0001638. Inheritance: Various modes of inheritance.

Submission:

Color Diagnostics, LLC DBA Color Health
Classification: Uncertain significance for Cardiomyopathy. Last evaluated: 2025-06-10. Review status: criteria provided, single submitter. Criteria: ACMG Guidelines, 2015. Collection method: clinical testing. Allele origin: germline.
Comment: This variant inserts 1 nucleotide in exon 81/105 of the RYR2 gene, creating a frameshift and premature translation stop signal. This variant is expected to result in an absent or non-functional protein product. To our knowledge, this variant has not been reported in individuals affected with RYR2-related disorders in the literature. This variant has not been identified in the general population by the Genome Aggregation Database (gnomAD). Loss of RYR2 gene expression due to truncation variants is not an established disease mechanism. The available evidence is insufficient to determine the role of this variant in disease conclusively. Therefore, this variant is classified as a Variant of Uncertain Significance.

NM_001035.3(RYR2):c.11151dup (p.Glu3718fs)

Gene: RYR2 (ryanodine receptor 2; plus strand). Cytogenetic location: 1q43.
Variant type: Duplication.
Coding change: c.11151dup on transcript NM_001035.3 (MANE Select); coding-DNA position 11151, one base duplicated (A; older notation c.11151dupA).
Protein change: p.Glu3718fs; shifts the reading frame from glutamic acid 3718.
Molecular consequence: frameshift variant.
Genome position (GRCh38, 1-based): chr1:237,756,293, A duplicated; the last of 5 consecutive A bases (chr1:237,756,289-237,756,293); duplicating any one gives the same sequence. VCF-style (leftmost placement, unchanged base first): chr1-237756288-G-GA. GRCh37 (hg19) VCF-style: chr1-237919588-G-GA.
Other names: short protein forms E3718fs.
Identifiers: ClinVar variation 4757223 (VCV004757223.1).